The following is an entry in ClinVar:

ClinVar aggregate classification (germline): Uncertain significance. Review status: criteria provided, multiple submitters, no conflicts (2 of 4 stars). 2 submissions from 2 submitters: Uncertain significance (2). Last evaluated 2026-04-11.

Conditions:
Catecholaminergic polymorphic ventricular tachycardia 1. Also called: VENTRICULAR TACHYCARDIA, CATECHOLAMINERGIC POLYMORPHIC, 1, WITH OR WITHOUT ATRIAL DYSFUNCTION AND/OR DILATED CARDIOMYOPATHY; RYR2-Related Catecholaminergic Polymorphic Ventricular Tachycardia; VENTRICULAR TACHYCARDIA, STRESS-INDUCED POLYMORPHIC 1. Identifiers: Orphanet 3286, MedGen C1631597, MONDO:0011484, OMIM 604772.
Cardiovascular phenotype. Identifiers: MedGen CN230736.

Allele frequency attached by ClinVar (database versions not stated): gnomAD 0.00001.
gnomAD v4.1: 1 of 1,610,108 alleles (0.000062%); highest among the groups gnomAD compares: Admixed American, 0.0017%; no homozygotes.

Submissions (2):

Ambry Genetics
Classification: Uncertain significance for Cardiovascular phenotype. Last evaluated: 2026-04-11. Review status: criteria provided, single submitter. Criteria: Ambry Variant Classification Scheme 2023. Collection method: clinical testing. Allele origin: germline.

Labcorp Genetics (formerly Invitae), Labcorp
Classification: Uncertain significance for Catecholaminergic polymorphic ventricular tachycardia 1. Last evaluated: 2022-08-22. Review status: criteria provided, single submitter. Criteria: Invitae Variant Classification Sherloc (09022015). Collection method: clinical testing. Allele origin: germline.
Comment: ClinVar contains an entry for this variant (Variation ID: 1014266). This variant has not been reported in the literature in individuals affected with CASQ2-related conditions. This variant is not present in population databases (gnomAD no frequency). This sequence change replaces valine, which is neutral and non-polar, with alanine, which is neutral and non-polar, at codon 76 of the CASQ2 protein (p.Val76Ala). Algorithms developed to predict the effect of missense changes on protein structure and function are either unavailable or do not agree on the potential impact of this missense change (SIFT: "Tolerated"; PolyPhen-2: "Possibly Damaging"; Align-GVGD: "Class C0"). In summary, the available evidence is currently insufficient to determine the role of this variant in disease. Therefore, it has been classified as a Variant of Uncertain Significance.

NM_001232.4(CASQ2):c.227T>C (p.Val76Ala)

Gene: CASQ2 (calsequestrin 2; minus strand). Cytogenetic location: 1p13.1.
Variant type: single nucleotide variant.
Coding change: c.227T>C on transcript NM_001232.4 (MANE Select); coding-DNA position 227, T replaced by C.
Protein change: p.Val76Ala; replaces valine 76 with alanine.
Molecular consequence: missense variant.
Genome position (GRCh38, 1-based): chr1:115,768,315, A>G on the plus strand (T>C on the coding strand, the complement: CASQ2 is on the minus strand). VCF-style: chr1-115768315-A-G. GRCh37 (hg19) VCF-style: chr1-116310936-A-G.
Other names: c.227T>C (NM_001232.3); short protein forms V76A.
Identifiers: ClinVar variation 1014266 (VCV001014266.47), dbSNP rs1649199632, ClinGen allele CA341766973.